The following is an entry in ClinVar:

ClinVar aggregate classification (germline): Uncertain significance (1 of 4 stars; one submission).

gnomAD v4.1: 1 of 1,613,942 alleles (0.000062%); highest among the groups gnomAD compares: Non-Finnish European, 0.000085%; no homozygotes.

Submission:

Ambry Genetics
Classification: Uncertain significance. Last evaluated: 2025-03-30. Review status: criteria provided, single submitter. Criteria: Ambry Variant Classification Scheme 2023. Collection method: clinical testing. Allele origin: germline.
Comment: The p.G773R variant (also known as c.2317G>C), located in coding exon 1 of the TET2 gene, results from a G to C substitution at nucleotide position 2317. The glycine at codon 773 is replaced by arginine, an amino acid with dissimilar properties. This amino acid position is conserved. In addition, this alteration is predicted to be tolerated by in silico analysis. Based on the available evidence, the clinical significance of this variant remains unclear.

NM_001127208.3(TET2):c.2317G>C (p.Gly773Arg)

Genes: TET2 (tet methylcytosine dioxygenase 2; plus strand), TET2-AS1 (TET2 antisense RNA 1; minus strand). Cytogenetic location: 4q24.
Variant type: single nucleotide variant.
Coding change: c.2317G>C on transcript NM_001127208.3 (MANE Select); coding-DNA position 2317, G replaced by C.
Protein change: p.Gly773Arg; replaces glycine 773 with arginine.
Molecular consequence: missense variant.
Genome position (GRCh38, 1-based): chr4:105,236,259, G>C. VCF-style: chr4-105236259-G-C. GRCh37 (hg19) VCF-style: chr4-106157416-G-C.
Other names: c.2317G>C, p.Gly773Arg (NM_017628.4); short protein forms G773R.
Identifiers: ClinVar variation 3967508 (VCV003967508.1).